The following is an entry in ClinVar:

ClinVar aggregate classification (germline): Benign. Review status: criteria provided, multiple submitters, no conflicts (2 of 4 stars). 4 submissions from 4 submitters: Benign (3). 1 of the submissions does not count toward it. Last evaluated 2026-01-06.

Conditions:
RARB-related disorder. Also called: RARB-related condition.
Microphthalmia, syndromic 12 (MCOPS12). Also called: MICROPHTHALMIA WITH OR WITHOUT PULMONARY HYPOPLASIA, DIAPHRAGMATIC HERNIA, AND/OR CARDIAC DEFECTS. Identifiers: Orphanet 2470, Orphanet 689829, MedGen C3809803, MONDO:0014229, OMIM 615524.

Allele frequency attached by ClinVar (database versions not stated): gnomAD exomes 0.00177 and 0.00502; ExAC 0.00641; gnomAD 0.01869 and 0.01990; 1000 Genomes Project 0.01877; 1000 Genomes Project 30x 0.01889; TOPMed 0.02128; ESP Exome Variant Server 0.02199.
gnomAD v4.1: 5,617 of 1,609,576 alleles (0.35%); highest among the groups gnomAD compares: African/African-American, 6.1%; 168 homozygotes.

Submissions (4):

Labcorp Genetics (formerly Invitae), Labcorp
Classification: Benign for Microphthalmia, syndromic 12. Last evaluated: 2026-01-06. Review status: criteria provided, single submitter. Criteria: Invitae Variant Classification Sherloc (09022015). Collection method: clinical testing. Allele origin: germline.

GeneDx
Classification: Benign. Last evaluated: 2021-05-05. Review status: criteria provided, single submitter. Criteria: GeneDx Variant Classification Process June 2021. Collection method: clinical testing. Allele origin: germline. Affected: yes.

Breakthrough Genomics
Classification: Benign. Review status: criteria provided, single submitter. Criteria: ACMG Guidelines, 2015. Collection method: not provided. Allele origin: germline. Inheritance: Autosomal dominant inheritance. Affected: yes.

PreventionGenetics, part of Exact Sciences
Classification: Benign for RARB-related condition. Last evaluated: 2019-03-12. Review status: no assertion criteria provided. Collection method: clinical testing. Allele origin: germline. Not counted in ClinVar's aggregate classification.
Comment: This variant is classified as benign based on ACMG/AMP sequence variant interpretation guidelines (Richards et al. 2015 PMID: 25741868, with internal and published modifications).

NM_000965.5(RARB):c.1155A>G (p.Ala385=)

Gene: RARB (retinoic acid receptor beta; plus strand). Cytogenetic location: 3p24.2.
Variant type: single nucleotide variant.
Coding change: c.1155A>G on transcript NM_000965.5 (MANE Select); coding-DNA position 1155, A replaced by G.
Protein change: p.Ala385=; no amino-acid change (alanine 385 retained).
Molecular consequence: synonymous variant. On other transcripts: non-coding transcript variant (2).
Genome position (GRCh38, 1-based): chr3:25,596,424, A>G. VCF-style: chr3-25596424-A-G. GRCh37 (hg19) VCF-style: chr3-25637915-A-G.
Other names: c.1176A>G, p.Ala392= (NM_001290216.3); c.819A>G, p.Ala273= (NM_001290217.2, NM_001290276.2, NM_016152.4); c.1008A>G, p.Ala336= (NM_001290266.2); c.1017A>G, p.Ala339= (NM_001290277.1); c.1026A>G, p.Ala342= (NM_001290300.2).
Identifiers: ClinVar variation 474675 (VCV000474675.16), dbSNP rs61733682, ClinGen allele CA2287895.
Genomic context (GRCh38, chr3:25,596,424, plus strand): 5'-TCTGTCATAGCTTAACTCCTTATCTTAACCATATTTCCATTATCTCTTTTGAAAAGGTGC[A>G]GAGCGTGTAATTACCTTGAAAATGGAAATTCCTGGATCAATGCCACCTCTCATTCAAGAA-3'
Protein context (NP_000956.2, residues 375-395): TDLRSISAKG[Ala385=]ERVITLKMEI